The following is an entry in ClinVar:

ClinVar aggregate classification (germline): Uncertain significance. Review status: criteria provided, multiple submitters, no conflicts (2 of 4 stars). 2 submissions from 2 submitters: Uncertain significance (2). Last evaluated 2025-05-12.

Conditions:
Hereditary cancer-predisposing syndrome. Also called: Hereditary Cancer Syndrome; Hereditary neoplastic syndrome; Neoplastic Syndromes, Hereditary; Tumor predisposition. Identifiers: Orphanet 140162, MedGen C0027672, MeSH D009386, MONDO:0015356.

Allele frequency attached by ClinVar (database versions not stated): gnomAD exomes below 0.00001; gnomAD 0.00001; 1000 Genomes Project 30x 0.00016; 1000 Genomes Project 0.00020.
gnomAD v4.1: 2 of 1,614,116 alleles (0.00012%); highest among the groups gnomAD compares: East Asian, 0.0022%; no homozygotes.

Submissions (2):

Labcorp Genetics (formerly Invitae), Labcorp
Classification: Uncertain significance. Last evaluated: 2025-05-12. Review status: criteria provided, single submitter. Criteria: Invitae Variant Classification Sherloc (09022015). Collection method: clinical testing. Allele origin: germline.
Comment: This sequence change replaces methionine, which is neutral and non-polar, with valine, which is neutral and non-polar, at codon 66 of the POLE protein (p.Met66Val). This variant is not present in population databases (gnomAD no frequency). This variant has not been reported in the literature in individuals affected with POLE-related conditions. ClinVar contains an entry for this variant (Variation ID: 405867). Invitae Evidence Modeling of protein sequence and biophysical properties (such as structural, functional, and spatial information, amino acid conservation, physicochemical variation, residue mobility, and thermodynamic stability) indicates that this missense variant is not expected to disrupt POLE protein function with a negative predictive value of 80%. In summary, the available evidence is currently insufficient to determine the role of this variant in disease. Therefore, it has been classified as a Variant of Uncertain Significance.

Ambry Genetics
Classification: Uncertain significance for Hereditary cancer-predisposing syndrome. Last evaluated: 2023-02-28. Review status: criteria provided, single submitter. Criteria: Ambry Variant Classification Scheme 2023. Collection method: clinical testing. Allele origin: germline.
Comment: The p.M66V variant (also known as c.196A>G), located in coding exon 2 of the POLE gene, results from an A to G substitution at nucleotide position 196. The methionine at codon 66 is replaced by valine, an amino acid with highly similar properties. This amino acid position is conserved. In addition, this alteration is predicted to be tolerated by in silico analysis. Since supporting evidence is limited at this time, the clinical significance of this alteration remains unclear.

NM_006231.4(POLE):c.196A>G (p.Met66Val)

Gene: POLE (DNA polymerase epsilon, catalytic subunit; minus strand). Cytogenetic location: 12q24.33.
Variant type: single nucleotide variant.
Coding change: c.196A>G on transcript NM_006231.4 (MANE Select); coding-DNA position 196, A replaced by G.
Protein change: p.Met66Val; replaces methionine 66 with valine.
Molecular consequence: missense variant.
Genome position (GRCh38, 1-based): chr12:132,681,146, T>C on the plus strand (A>G on the coding strand, the complement: POLE is on the minus strand). VCF-style: chr12-132681146-T-C. GRCh37 (hg19) VCF-style: chr12-133257732-T-C.
Other names: c.196A>G (NM_006231.2); short protein forms M66V.
Identifiers: ClinVar variation 405867 (VCV000405867.12), dbSNP rs534552358, ClinGen allele CA16613749.